The following is an entry in ClinVar:

ClinVar aggregate classification (germline): Uncertain significance (1 of 4 stars; one submission).

Conditions:
Familial thoracic aortic aneurysm and aortic dissection (TAAD). Also called: Thoracic aortic aneurysms and dissections. Identifiers: Orphanet 91387, MedGen C4707243, MONDO:0019625.

Submission:

Color Diagnostics, LLC DBA Color Health
Classification: Uncertain significance for Familial thoracic aortic aneurysm and aortic dissection. Last evaluated: 2024-03-06. Review status: criteria provided, single submitter. Criteria: ACMG Guidelines, 2015. Collection method: clinical testing. Allele origin: germline.
Comment: This missense variant replaces valine with isoleucine at codon 754 of the COL3A1 protein. Computational prediction is inconclusive regarding the impact of this variant on protein structure and function (internally defined REVEL score threshold 0.5 < inconclusive < 0.7, PMID: 27666373). To our knowledge, functional studies have not been reported for this variant. This variant has not been reported in individuals affected with cardiovascular disorders in the literature. This variant has not been identified in the general population by the Genome Aggregation Database (gnomAD). The available evidence is insufficient to determine the role of this variant in disease conclusively. Therefore, this variant is classified as a Variant of Uncertain Significance.

NM_000090.4(COL3A1):c.2259_2260delinsGA (p.Val754Ile)

Gene: COL3A1 (collagen type III alpha 1 chain; plus strand). Cytogenetic location: 2q32.2.
Variant type: Indel.
Coding change: c.2259_2260delinsGA on transcript NM_000090.4 (MANE Select); coding-DNA positions 2259 to 2260, TG replaced by GA.
Protein change: p.Val754Ile; replaces valine 754 with isoleucine.
Molecular consequence: missense variant.
Genome position (GRCh38, 1-based): chr2:188,999,871-188,999,872, TG replaced by GA. VCF-style: chr2-188999871-TG-GA. GRCh37 (hg19) VCF-style: chr2-189864597-TG-GA.
Other names: short protein forms V754I.
Identifiers: ClinVar variation 1331844 (VCV001331844.3), dbSNP rs2153503068, ClinGen allele CA2573051818.